The following is an entry in ClinVar:

ClinVar aggregate classification (germline): Uncertain significance. Review status: criteria provided, multiple submitters, no conflicts (2 of 4 stars). 2 submissions from 2 submitters: Uncertain significance (2). Last evaluated 2026-06-23.

Conditions:
Hereditary cancer-predisposing syndrome. Also called: Neoplastic Syndromes, Hereditary; Hereditary Cancer Syndrome; Hereditary neoplastic syndrome; Tumor predisposition. Identifiers: Orphanet 140162, MedGen C0027672, MeSH D009386, MONDO:0015356.
Cardiovascular phenotype. Identifiers: MedGen CN230736.
Neurofibromatosis, type 1 (NF1). Also called: VON RECKLINGHAUSEN DISEASE; Neurofibromatosis, type I; Peripheral type neurofibromatosis; NEUROFIBROMATOSIS, TYPE I, SOMATIC. Identifiers: Orphanet 636, MedGen C0027831, MONDO:0018975, OMIM 162200. Disease mechanism: loss of function.

Submissions (2):

Ambry Genetics
Classification: Uncertain significance for Cardiovascular phenotype; Hereditary cancer-predisposing syndrome. Last evaluated: 2026-06-23. Review status: criteria provided, single submitter. Criteria: Ambry Variant Classification Scheme 2023. Collection method: clinical testing. Allele origin: germline.
Comment: The p.S1476F variant (also known as c.4427C>T), located in coding exon 33 of the NF1 gene, results from a C to T substitution at nucleotide position 4427. The serine at codon 1476 is replaced by phenylalanine, an amino acid with highly dissimilar properties. This amino acid position is highly conserved in available vertebrate species. In addition, the in silico prediction for this alteration is inconclusive. Based on the available evidence, the clinical significance of this variant remains unclear.

Labcorp Genetics (formerly Invitae), Labcorp
Classification: Uncertain significance for Neurofibromatosis, type 1. Last evaluated: 2024-03-06. Review status: criteria provided, single submitter. Criteria: Invitae Variant Classification Sherloc (09022015). Collection method: clinical testing. Allele origin: germline.
Comment: This sequence change replaces serine, which is neutral and polar, with phenylalanine, which is neutral and non-polar, at codon 1476 of the NF1 protein (p.Ser1476Phe). This variant is not present in population databases (gnomAD no frequency). This variant has not been reported in the literature in individuals affected with NF1-related conditions. ClinVar contains an entry for this variant (Variation ID: 640749). Advanced modeling of protein sequence and biophysical properties (such as structural, functional, and spatial information, amino acid conservation, physicochemical variation, residue mobility, and thermodynamic stability) performed at Invitae indicates that this missense variant is expected to disrupt NF1 protein function with a positive predictive value of 95%. In summary, the available evidence is currently insufficient to determine the role of this variant in disease. Therefore, it has been classified as a Variant of Uncertain Significance.

NM_001042492.3(NF1):c.4490C>T (p.Ser1497Phe)

Gene: NF1 (neurofibromin 1; plus strand). Cytogenetic location: 17q11.2.
Variant type: single nucleotide variant.
Coding change: c.4490C>T on transcript NM_001042492.3 (MANE Select); coding-DNA position 4490, C replaced by T.
Protein change: p.Ser1497Phe; replaces serine 1497 with phenylalanine.
Molecular consequence: missense variant.
Genome position (GRCh38, 1-based): chr17:31,260,428, C>T. VCF-style: chr17-31260428-C-T. GRCh37 (hg19) VCF-style: chr17-29587446-C-T.
Other names: c.4427C>T, p.Ser1476Phe (NM_000267.4); short protein forms S1476F, S1497F.
Identifiers: ClinVar variation 640749 (VCV000640749.6), dbSNP rs1597746999, ClinGen allele CA398999444.